The following is an entry in ClinVar:

NM_001042492.3(NF1):c.5812+259A>G

Gene: NF1 (neurofibromin 1; plus strand). Cytogenetic location: 17q11.2.
Variant type: single nucleotide variant.
Coding change: c.5812+259A>G on transcript NM_001042492.3 (MANE Select); 259 bases into the intron after coding-DNA position 5812, A replaced by G.
Molecular consequence: intron variant.
Genome position (GRCh38, 1-based): chr17:31,330,757, A>G. VCF-style: chr17-31330757-A-G. GRCh37 (hg19) VCF-style: chr17-29657775-A-G.
Other names: c.5749+259A>G (NM_000267.4).
Identifiers: ClinVar variation 3052366 (VCV003052366.2), dbSNP rs553337592, ClinGen allele CA289380817.

ClinVar aggregate classification (germline): Likely benign (0 of 4 stars; one submission).

Conditions:
NF1-related disorder. Also called: NF1-related condition. Identifiers: MedGen CN379171.

Allele frequency attached by ClinVar (database versions not stated): gnomAD 0.00005; gnomAD exomes 0.00006; TOPMed 0.00006.
gnomAD v4.1: 22 of 392,430 alleles (0.0056%); highest among the groups gnomAD compares: Non-Finnish European, 0.0091%; no homozygotes.

Submission:

PreventionGenetics, part of Exact Sciences
Classification: Likely benign for NF1-related condition. Last evaluated: 2023-10-17. Review status: no assertion criteria provided. Collection method: clinical testing. Allele origin: germline.
Comment: This variant is classified as likely benign based on ACMG/AMP sequence variant interpretation guidelines (Richards et al. 2015 PMID: 25741868, with internal and published modifications).